The following is an entry in ClinVar:

ClinVar aggregate classification (germline): Uncertain significance (1 of 4 stars; one submission).

gnomAD v4.1: 1 of 1,614,132 alleles (0.000062%); no homozygotes.

Submission:

Labcorp Genetics (formerly Invitae), Labcorp
Classification: Uncertain significance. Last evaluated: 2022-11-10. Review status: criteria provided, single submitter. Criteria: Invitae Variant Classification Sherloc (09022015). Collection method: clinical testing. Allele origin: germline.
Comment: Algorithms developed to predict the effect of missense changes on protein structure and function are either unavailable or do not agree on the potential impact of this missense change (SIFT: "Deleterious"; PolyPhen-2: "Possibly Damaging"; Align-GVGD: "Class C0"). This sequence change replaces glutamine, which is neutral and polar, with histidine, which is basic and polar, at codon 1454 of the DMXL2 protein (p.Gln1454His). This variant is not present in population databases (gnomAD no frequency). This variant has not been reported in the literature in individuals affected with DMXL2-related conditions. In summary, the available evidence is currently insufficient to determine the role of this variant in disease. Therefore, it has been classified as a Variant of Uncertain Significance.

NM_001378457.1(DMXL2):c.4362G>C (p.Gln1454His)

Gene: DMXL2 (Dmx like 2; minus strand). Cytogenetic location: 15q21.2.
Variant type: single nucleotide variant.
Coding change: c.4362G>C on transcript NM_001378457.1 (MANE Select); coding-DNA position 4362, G replaced by C.
Protein change: p.Gln1454His; replaces glutamine 1454 with histidine.
Molecular consequence: missense variant. On other transcripts: non-coding transcript variant (2), intron variant (2).
Genome position (GRCh38, 1-based): chr15:51,498,862, C>G on the plus strand (G>C on the coding strand, the complement: DMXL2 is on the minus strand). VCF-style: chr15-51498862-C-G. GRCh37 (hg19) VCF-style: chr15-51791059-C-G.
Other names: c.4362G>C, p.Gln1454His (NM_001174116.3, NM_001378458.1, NM_001378459.1 and 4 more transcripts); c.4122G>C, p.Gln1374His (NM_001378464.1); c.2765-7115G>C (NM_001378460.1); c.2765-3728G>C (NM_001174117.3); short protein forms Q1374H, Q1454H.
Identifiers: ClinVar variation 2880641 (VCV002880641.3), dbSNP rs2043373574, ClinGen allele CA392432091.
Genomic context (GRCh38, chr15:51,498,862, plus strand): 5'-GATTTGAAACAGCTCTGAATACTGATCCTCTGGTTGACTTACTGTCTGATCTTCATAGCT[C>G]TGTGGTATCTTTGTACTTTCTTCTGAAATTCTGTAGGATGTATCTTGATCTGCAGCAAGT-3'
Protein context (NP_001365386.1, residues 1444-1464): RISEESTKIP[Gln1454His]SYEDQTVSQP